The following is an entry in ClinVar:

NM_005546.4(ITK):c.1447T>A (p.Leu483Met)

Gene: ITK (IL2 inducible T cell kinase; plus strand). Cytogenetic location: 5q33.3.
Variant type: single nucleotide variant.
Coding change: c.1447T>A on transcript NM_005546.4 (MANE Select); coding-DNA position 1447, T replaced by A.
Protein change: p.Leu483Met; replaces leucine 483 with methionine.
Molecular consequence: missense variant.
Genome position (GRCh38, 1-based): chr5:157,244,476, T>A. VCF-style: chr5-157244476-T-A. GRCh37 (hg19) VCF-style: chr5-156671486-T-A.
Other names: short protein forms L483M.
Identifiers: ClinVar variation 2181322 (VCV002181322.1), dbSNP rs142788740, ClinGen allele CA3533079.

ClinVar aggregate classification (germline): Uncertain significance (1 of 4 stars; one submission).

Conditions:
Lymphoproliferative syndrome 1 (LPFS1). Identifiers: Orphanet 238505, Orphanet 538963, MedGen C3552634, MONDO:0013081, OMIM 613011.

Allele frequency attached by ClinVar (database versions not stated): gnomAD exomes below 0.00001; TOPMed below 0.00001; ExAC 0.00003; ESP Exome Variant Server 0.00008.
gnomAD v4.1: 6 of 1,588,580 alleles (0.00038%); highest among the groups gnomAD compares: Non-Finnish European, 0.00052%; no homozygotes.

Submission:

Labcorp Genetics (formerly Invitae), Labcorp
Classification: Uncertain significance for Lymphoproliferative syndrome 1. Last evaluated: 2022-03-15. Review status: criteria provided, single submitter. Criteria: Invitae Variant Classification Sherloc (09022015). Collection method: clinical testing. Allele origin: germline.
Comment: This sequence change replaces leucine, which is neutral and non-polar, with methionine, which is neutral and non-polar, at codon 483 of the ITK protein (p.Leu483Met). This variant is present in population databases (rs142788740, gnomAD 0.005%). This variant has not been reported in the literature in individuals affected with ITK-related conditions. Algorithms developed to predict the effect of missense changes on protein structure and function are either unavailable or do not agree on the potential impact of this missense change (SIFT: "Deleterious"; PolyPhen-2: "Probably Damaging"; Align-GVGD: "Class C0"). In summary, the available evidence is currently insufficient to determine the role of this variant in disease. Therefore, it has been classified as a Variant of Uncertain Significance.